The following is an entry in ClinVar:

NM_001308120.2(TOGARAM1):c.2852del (p.Pro951fs)

Gene: TOGARAM1 (TOG array regulator of axonemal microtubules 1; plus strand). Cytogenetic location: 14q21.2.
Variant type: Deletion.
Coding change: c.2852del on transcript NM_001308120.2 (MANE Select); coding-DNA position 2852, one base deleted (C; older notation c.2852delC).
Protein change: p.Pro951fs; shifts the reading frame from proline 951.
Molecular consequence: frameshift variant. On other transcripts: non-coding transcript variant (1).
Genome position (GRCh38, 1-based): chr14:45,006,215, C deleted; the last of 2 consecutive C bases (chr14:45,006,214-45,006,215); deleting either gives the same sequence. VCF-style (leftmost placement, unchanged base first): chr14-45006213-TC-T. GRCh37 (hg19) VCF-style: chr14-45475416-TC-T.
Other names: c.2852del, p.Pro951fs (NM_015091.4); short protein forms P951fs.
Identifiers: ClinVar variation 4880601 (VCV004880601.2).

ClinVar aggregate classification (germline): Likely pathogenic (1 of 4 stars; one submission).

Conditions:
Joubert syndrome 37. Identifiers: MedGen C5543064, MONDO:0030933, OMIM 619185.

Submission:

Dasa
Classification: Likely pathogenic for Joubert syndrome 37. Last evaluated: 2025-05-28. Review status: criteria provided, single submitter. Criteria: DASA Assertion Criteria. Collection method: clinical testing. Allele origin: germline.
Comment: NM_001308120.2(TOGARAM1):c.2852del (p.Pro951Glnfs*7) is a frameshift variant in TOGARAM1 predicted to alter the reading frame and introduce a premature termination codon and is predicted to result in an absent or altered protein product. Loss of function is an established disease mechanism for TOGARAM1-associated disorders. Also, this variant is absent from population databases. Based on the currently available evidence, this variant is classified as likely pathogenic.